The following is an entry in ClinVar:

NM_004380.3(CREBBP):c.3044_3046del (p.Gly1015del)

Gene: CREBBP (CREB binding lysine acetyltransferase; minus strand). Cytogenetic location: 16p13.3.
Variant type: Deletion.
Coding change: c.3044_3046del on transcript NM_004380.3 (MANE Select); coding-DNA positions 3044 to 3046, 3 bases deleted (GGG; older notation c.3044_3046delGGG).
Protein change: p.Gly1015del; deletes glycine 1015.
Molecular consequence: inframe deletion.
Genome position (GRCh38, 1-based): chr16:3,769,188-3,769,190, CCC deleted on the plus strand (GGG on the coding strand, the reverse complement: CREBBP is on the minus strand); deleting any 3 consecutive bases within chr16:3,769,188-3,769,191 gives the same sequence; the c. name uses the placement nearest the transcript's 3' end. VCF-style (leftmost placement, unchanged base first): chr16-3769187-TCCC-T. GRCh37 (hg19) VCF-style: chr16-3819188-TCCC-T.
Other names: c.3044_3046delGGG (NM_004380.3); c.2930_2932del, p.Gly977del (NM_001079846.1); short protein forms G977del, G1015del.
Identifiers: ClinVar variation 2728736 (VCV002728736.5), dbSNP rs2052936208, ClinGen allele CA2202950038.

ClinVar aggregate classification (germline): Uncertain significance. Review status: criteria provided, multiple submitters, no conflicts (2 of 4 stars). 3 submissions from 3 submitters: Uncertain significance (3). Last evaluated 2025-10-09.

Conditions:
Rubinstein-Taybi syndrome (RSTS). Identifiers: Orphanet 783, MedGen C0035934, MONDO:0019188.

Submissions (3):

Women's Health and Genetics/Laboratory Corporation of America, LabCorp
Classification: Uncertain significance. Last evaluated: 2025-10-09. Review status: criteria provided, single submitter. Criteria: LabCorp Variant Classification Summary - May 2015. Collection method: clinical testing. Allele origin: germline.
Comment: Variant summary: CREBBP c.3044_3046delGGG (p.Gly1015del) results in an in-frame deletion that is predicted to remove one amino acid from the encoded protein. The variant was absent in 251364 control chromosomes. The available data on variant occurrences in the general population are insufficient to allow any conclusion about variant significance. To our knowledge, no occurrence of c.3044_3046delGGG in individuals affected with CREBBP-related conditions and no experimental evidence demonstrating its impact on protein function have been reported. ClinVar contains an entry for this variant (Variation ID: 2728736). Based on the evidence outlined above, the variant was classified as uncertain significance.

Labcorp Genetics (formerly Invitae), Labcorp
Classification: Uncertain significance for Rubinstein-Taybi syndrome. Last evaluated: 2023-03-04. Review status: criteria provided, single submitter. Criteria: Invitae Variant Classification Sherloc (09022015). Collection method: clinical testing. Allele origin: germline.
Comment: This variant, c.3044_3046del, results in the deletion of 1 amino acid(s) of the CREBBP protein (p.Gly1015del), but otherwise preserves the integrity of the reading frame. This variant is not present in population databases (gnomAD no frequency). This variant has not been reported in the literature in individuals affected with CREBBP-related conditions. Algorithms developed to predict the effect of sequence changes on RNA splicing suggest that this variant may create or strengthen a splice site. In summary, the available evidence is currently insufficient to determine the role of this variant in disease. Therefore, it has been classified as a Variant of Uncertain Significance.

Blueprint Genetics
Classification: Uncertain significance. Last evaluated: 2019-01-15. Review status: criteria provided, single submitter. Criteria: ACMG Guidelines, 2015. Collection method: clinical testing. Allele origin: germline.